The following is an entry in ClinVar:

NM_024675.4(PALB2):c.3209T>C (p.Leu1070Pro)

Gene: PALB2 (partner and localizer of BRCA2; minus strand). Cytogenetic location: 16p12.2.
Variant type: single nucleotide variant.
Coding change: c.3209T>C on transcript NM_024675.4 (MANE Select); coding-DNA position 3209, T replaced by C.
Protein change: p.Leu1070Pro; replaces leucine 1070 with proline.
Molecular consequence: missense variant.
Genome position (GRCh38, 1-based): chr16:23,608,005, A>G on the plus strand (T>C on the coding strand, the complement: PALB2 is on the minus strand). VCF-style: chr16-23608005-A-G. GRCh37 (hg19) VCF-style: chr16-23619326-A-G.
Other names: short protein forms L1070P.
Identifiers: ClinVar variation 216752 (VCV000216752.19), dbSNP rs863224785, ClinGen allele CA339433.

ClinVar aggregate classification (germline): Uncertain significance. Review status: criteria provided, multiple submitters, no conflicts (2 of 4 stars). 5 submissions from 5 submitters: Uncertain significance (5). Last evaluated 2025-11-22.

Conditions:
Hereditary cancer-predisposing syndrome. Also called: Tumor predisposition; Hereditary Cancer Syndrome; Neoplastic Syndromes, Hereditary; Hereditary neoplastic syndrome. Identifiers: Orphanet 140162, MedGen C0027672, MeSH D009386, MONDO:0015356.
Familial cancer of breast. Also called: Hereditary breast cancer; BREAST CANCER, FAMILIAL; hereditary breast carcinoma. Identifiers: Orphanet 227535, MedGen C0346153, MONDO:0016419, OMIM 114480. Disease mechanism: loss of function.
Pancreatic cancer, susceptibility to, 3. Identifiers: Orphanet 1333, MedGen C3150547, MONDO:0013236, OMIM 613348.
Fanconi anemia complementation group N. Also called: PALB2-Related Fanconi Anemia. Identifiers: Orphanet 84, MedGen C1835817, MONDO:0012565, OMIM 610832. Disease mechanism: loss of function.
Breast and/or ovarian cancer. Identifiers: MedGen CN221562.

Submissions (5):

Labcorp Genetics (formerly Invitae), Labcorp
Classification: Uncertain significance for Familial cancer of breast. Last evaluated: 2025-11-22. Review status: criteria provided, single submitter. Criteria: Invitae Variant Classification Sherloc (09022015). Collection method: clinical testing. Allele origin: germline.
Comment: This sequence change replaces leucine, which is neutral and non-polar, with proline, which is neutral and non-polar, at codon 1070 of the PALB2 protein (p.Leu1070Pro). This variant is not present in population databases (gnomAD no frequency). This variant has not been reported in the literature in individuals affected with PALB2-related conditions. ClinVar contains an entry for this variant (Variation ID: 216752). An algorithm developed to predict the effect of missense changes on protein structure and function (PolyPhen-2) suggests that this variant is likely to be disruptive. Experimental studies have shown that this missense change affects PALB2 function (PMID: 31636395, 31757951, 33964450). In summary, the available evidence is currently insufficient to determine the role of this variant in disease. Therefore, it has been classified as a Variant of Uncertain Significance.

Ambry Genetics
Classification: Uncertain significance for Hereditary cancer-predisposing syndrome. Last evaluated: 2024-09-28. Review status: criteria provided, single submitter. Criteria: Ambry Variant Classification Scheme 2023. Collection method: clinical testing. Allele origin: germline.
Comment: The p.L1070P variant (also known as c.3209T>C), located in coding exon 12 of the PALB2 gene, results from a T to C substitution at nucleotide position 3209. The leucine at codon 1070 is replaced by proline, an amino acid with similar properties. This alteration was identified in an individual diagnosed with breast cancer (Murali K et al. Hered Cancer Clin Pract, 2021 Aug;19:33). This alteration was found to be functionally abnormal in multiple homology-directed DNA repair (HDR) assays (Boonen RACM et al. Nat Commun, 2019 11;10:5296; Wiltshire T et al. Genet. Med., 2020 03;22:622-632; Brnich SE et al. J Mol Diagn, 2021 Jul;23:847-864). In addition, in a PARP inhibitor sensitivity assay, this alteration was found to be functionally inconclusive (Boonen RACM et al. Nat Commun, 2019 11;10:5296). This amino acid position is highly conserved in available vertebrate species. In addition, this alteration is predicted to be deleterious by in silico analysis. Since supporting evidence is limited at this time, the clinical significance of this alteration remains unclear.

GeneDx
Classification: Uncertain significance. Last evaluated: 2023-11-07. Review status: criteria provided, single submitter. Criteria: GeneDx Variant Classification Process June 2021. Collection method: clinical testing. Allele origin: germline. Affected: yes.
Comment: Observed in an individual with breast cancer and a family history of pancreatic cancer in published literature (PMID: 34399810); Not observed at significant frequency in large population cohorts (gnomAD); In silico analysis supports that this missense variant has a deleterious effect on protein structure/function; This variant is associated with the following publications: (PMID: 31636395, 33169439, 32185139, 33195396, 32209438, 33964450, 19609323, 20871615, 24485656, 31757951, 34399810)

Fulgent Genetics
Classification: Uncertain significance for Familial cancer of breast; Fanconi anemia complementation group N; Pancreatic cancer, susceptibility to, 3. Last evaluated: 2022-02-23. Review status: criteria provided, single submitter. Criteria: ACMG Guidelines, 2015. Collection method: clinical testing. Allele origin: unknown.

CHEO Genetics Diagnostic Laboratory, Children's Hospital of Eastern Ontario
Classification: Uncertain significance for Breast and/or ovarian cancer. Last evaluated: 2021-08-12. Review status: criteria provided, single submitter. Criteria: ACMG Guidelines, 2015. Collection method: clinical testing. Allele origin: germline.

Literature cited by the submitters: PubMed 31636395 (cited by Labcorp Genetics (formerly Invitae), Labcorp and Ambry Genetics); PubMed 31757951 (cited by Labcorp Genetics (formerly Invitae), Labcorp); PubMed 33964450 (cited by Labcorp Genetics (formerly Invitae), Labcorp and Ambry Genetics); PubMed 34399810 (cited by Ambry Genetics).